The following is an entry in ClinVar:

ClinVar aggregate classification (germline): Conflicting classifications of pathogenicity. Review status: criteria provided, conflicting classifications (1 of 4 stars). 2 submissions from 2 submitters: Uncertain significance (1); Likely benign (1). Last evaluated 2025-10-19.

Conditions:
ADCY10-related disorder. Also called: ADCY10-related condition.

Allele frequency attached by ClinVar (database versions not stated): gnomAD exomes 0.00004 and 0.00018; gnomAD 0.00005 and 0.00004; TOPMed 0.00009; ExAC 0.00011; 1000 Genomes Project 30x 0.00031; 1000 Genomes Project 0.00040.
gnomAD v4.1: 68 of 1,613,974 alleles (0.0042%); highest among the groups gnomAD compares: Admixed American, 0.067%; 1 homozygote.

Submissions (2):

Labcorp Genetics (formerly Invitae), Labcorp
Classification: Uncertain significance. Last evaluated: 2025-10-19. Review status: criteria provided, single submitter. Criteria: Invitae Variant Classification Sherloc (09022015). Collection method: clinical testing. Allele origin: germline.
Comment: This sequence change replaces valine, which is neutral and non-polar, with isoleucine, which is neutral and non-polar, at codon 676 of the ADCY10 protein (p.Val676Ile). This variant is present in population databases (rs576877531, gnomAD 0.1%), and has an allele count higher than expected for a pathogenic variant. This variant has not been reported in the literature in individuals affected with ADCY10-related conditions. ClinVar contains an entry for this variant (Variation ID: 1483914). An algorithm developed to predict the effect of missense changes on protein structure and function outputs the following: PolyPhen-2: "Benign". The isoleucine amino acid residue is found in multiple mammalian species, which suggests that this missense change does not adversely affect protein function. In summary, the available evidence is currently insufficient to determine the role of this variant in disease. Therefore, it has been classified as a Variant of Uncertain Significance.

PreventionGenetics, part of Exact Sciences
Classification: Likely benign for ADCY10-related condition. Last evaluated: 2025-08-15. Review status: criteria provided, single submitter. Criteria: ACMG Guidelines, 2015. Collection method: clinical testing. Allele origin: germline.
Comment: This variant is classified as likely benign based on ACMG/AMP sequence variant interpretation guidelines (Richards et al. 2015 PMID: 25741868, with internal and published modifications).

NM_018417.6(ADCY10):c.2026G>A (p.Val676Ile)

Gene: ADCY10 (adenylate cyclase 10; minus strand). Cytogenetic location: 1q24.2.
Variant type: single nucleotide variant.
Coding change: c.2026G>A on transcript NM_018417.6 (MANE Select); coding-DNA position 2026, G replaced by A.
Protein change: p.Val676Ile; replaces valine 676 with isoleucine.
Molecular consequence: missense variant.
Genome position (GRCh38, 1-based): chr1:167,856,310, C>T on the plus strand (G>A on the coding strand, the complement: ADCY10 is on the minus strand). VCF-style: chr1-167856310-C-T. GRCh37 (hg19) VCF-style: chr1-167825548-C-T.
Other names: c.1567G>A, p.Val523Ile (NM_001167749.3); c.1750G>A, p.Val584Ile (NM_001297772.2); c.2026G>A (NM_018417.5); short protein forms V523I, V676I, V584I.
Identifiers: ClinVar variation 1483914 (VCV001483914.9), dbSNP rs576877531, ClinGen allele CA1227752.